The following is an entry in ClinVar:

NM_001903.5(CTNNA1):c.1663G>T (p.Val555Leu)

Gene: CTNNA1 (catenin alpha 1; plus strand). Cytogenetic location: 5q31.2.
Variant type: single nucleotide variant.
Coding change: c.1663G>T on transcript NM_001903.5 (MANE Select); coding-DNA position 1663, G replaced by T.
Protein change: p.Val555Leu; replaces valine 555 with leucine.
Molecular consequence: missense variant.
Genome position (GRCh38, 1-based): chr5:138,924,626, G>T. VCF-style: chr5-138924626-G-T. GRCh37 (hg19) VCF-style: chr5-138260315-G-T.
Other names: c.553G>T, p.Val185Leu (NM_001323988.1, NM_001323989.1, NM_001323990.1 and 17 more transcripts); c.1354G>T, p.Val452Leu (NM_001290309.3); c.1294G>T, p.Val432Leu (NM_001290310.3); c.1663G>T, p.Val555Leu (NM_001323982.2, NM_001323983.1, NM_001323984.2 and 2 more transcripts); c.1570G>T, p.Val524Leu (NM_001323986.2); c.214G>T, p.Val72Leu (NM_001324006.1, NM_001324007.1, NM_001324008.1 and 2 more transcripts); c.460G>T, p.Val154Leu (NM_001324011.1); c.310G>T, p.Val104Leu (NM_001324012.1, NM_001324013.1); short protein forms V185L, V524L, V555L, V154L, V432L, V104L, V452L, V72L.
Identifiers: ClinVar variation 5035005 (VCV005035005.1).
Genomic context (GRCh38, chr5:138,924,626, plus strand): 5'-GTGGATGGCCTGGACCGCACAGCTGGTGCAATTCGAGGCCGGGCAGCCCGGGTCATTCAC[G>T]TAGTCACCTCAGAGATGGACAACTATGAGCCAGGAGTCTACACAGAGAAGGTTCTGGAAG-3'
Protein context (NP_001894.2, residues 545-565): IRGRAARVIH[Val555Leu]VTSEMDNYEP

ClinVar aggregate classification (germline): Uncertain significance (1 of 4 stars; one submission).

Conditions:
Hereditary cancer-predisposing syndrome. Also called: Hereditary Cancer Syndrome; Neoplastic Syndromes, Hereditary; Tumor predisposition; Hereditary neoplastic syndrome. Identifiers: Orphanet 140162, MedGen C0027672, MeSH D009386, MONDO:0015356.

Submission:

Ambry Genetics
Classification: Uncertain significance for Hereditary cancer-predisposing syndrome. Last evaluated: 2026-08-11. Review status: criteria provided, single submitter. Criteria: Ambry Variant Classification Scheme 2023. Collection method: clinical testing. Allele origin: germline.
Comment: The p.V555L variant (also known as c.1663G>T), located in coding exon 11 of the CTNNA1 gene, results from a G to T substitution at nucleotide position 1663. The valine at codon 555 is replaced by leucine, an amino acid with highly similar properties. This amino acid position is conserved. In addition, the in silico prediction for this alteration is inconclusive. Based on the available evidence, the clinical significance of this variant remains unclear.